The following is an entry in ClinVar:

NM_032444.4(SLX4):c.4075C>T (p.Pro1359Ser)

Gene: SLX4 (SLX4 structure-specific endonuclease subunit; minus strand). Cytogenetic location: 16p13.3.
Variant type: single nucleotide variant.
Coding change: c.4075C>T on transcript NM_032444.4 (MANE Select); coding-DNA position 4075, C replaced by T.
Protein change: p.Pro1359Ser; replaces proline 1359 with serine.
Molecular consequence: missense variant.
Genome position (GRCh38, 1-based): chr16:3,589,563, G>A on the plus strand (C>T on the coding strand, the complement: SLX4 is on the minus strand). VCF-style: chr16-3589563-G-A. GRCh37 (hg19) VCF-style: chr16-3639564-G-A.
Other names: short protein forms P1359S.
Identifiers: ClinVar variation 2886018 (VCV002886018.3), dbSNP rs772219842, ClinGen allele CA7865739.
Genomic context (GRCh38, chr16:3,589,563, plus strand): 5'-GCGGCGAGTGTTTCAGGAACCGCCTGCTGAAGTGGGCGCGGTCCCCTGAGATGGGATGTG[G>A]AGCCAGCGGAGAGGAGTGCGGGTGGCCCCCGGGGTGGGGACGGGAAGGGCTTCTGTGGCC-3'
Protein context (NP_115820.2, residues 1349-1369): GGHPHSSPLA[Pro1359Ser]HPISGDRAHF

ClinVar aggregate classification (germline): Uncertain significance (1 of 4 stars; one submission).

Conditions:
Fanconi anemia (FA). Also called: Fanconi's anemia. Identifiers: Orphanet 84, MedGen C0015625, MeSH D005199, MONDO:0019391.

Allele frequency attached by ClinVar (database versions not stated): ExAC 0.00001; gnomAD exomes 0.00001.
gnomAD v4.1: 12 of 1,612,666 alleles (0.00074%); highest among the groups gnomAD compares: Non-Finnish European, 0.000085%; no homozygotes.

Submission:

Labcorp Genetics (formerly Invitae), Labcorp
Classification: Uncertain significance for Fanconi anemia. Last evaluated: 2022-12-23. Review status: criteria provided, single submitter. Criteria: Invitae Variant Classification Sherloc (09022015). Collection method: clinical testing. Allele origin: germline.
Comment: This sequence change replaces proline, which is neutral and non-polar, with serine, which is neutral and polar, at codon 1359 of the SLX4 protein (p.Pro1359Ser). This variant is present in population databases (rs772219842, gnomAD 0.009%). This variant has not been reported in the literature in individuals affected with SLX4-related conditions. Algorithms developed to predict the effect of missense changes on protein structure and function output the following: SIFT: "Tolerated"; PolyPhen-2: "Benign"; Align-GVGD: "Class C0". The serine amino acid residue is found in multiple mammalian species, which suggests that this missense change does not adversely affect protein function. In summary, the available evidence is currently insufficient to determine the role of this variant in disease. Therefore, it has been classified as a Variant of Uncertain Significance.